The following is an entry in ClinVar:

NM_003054.6(SLC18A2):c.711del (p.Phe238fs)

Gene: SLC18A2 (solute carrier family 18 member A2; plus strand). Cytogenetic location: 10q25.3.
Variant type: Deletion.
Coding change: c.711del on transcript NM_003054.6 (MANE Select); coding-DNA position 711, one base deleted (C; older notation c.711delC).
Protein change: p.Phe238fs; shifts the reading frame from phenylalanine 238.
Molecular consequence: frameshift variant.
Genome position (GRCh38, 1-based): chr10:117,255,287, C deleted; the last of 7 consecutive C bases (chr10:117,255,281-117,255,287); deleting any one gives the same sequence. VCF-style (leftmost placement, unchanged base first): chr10-117255280-GC-G. GRCh37 (hg19) VCF-style: chr10-119014791-GC-G.
Other names: short protein forms F238fs.
Identifiers: ClinVar variation 402145 (VCV000402145.1), dbSNP rs762879329, ClinGen allele CA16609523.

ClinVar aggregate classification (germline): Likely pathogenic (1 of 4 stars; one submission).

Conditions:
Abnormal brain morphology. Also called: Abnormality of brain morphology. Identifiers: MedGen C4021085, HP:0012443.

Submission:

Lupski Lab, Baylor-Hopkins CMG, Baylor College of Medicine
Classification: Likely pathogenic for Abnormal brain morphology. Review status: criteria provided, single submitter. Criteria: Karaca et al. (Neuron 2015). Collection method: research. Allele origin: inherited. Inheritance: Autosomal recessive inheritance. Affected: yes.
Comment: Homozygous frameshift